The following is an entry in ClinVar:

NM_001042492.3(NF1):c.109del (p.Glu37fs)

Gene: NF1 (neurofibromin 1; plus strand). Cytogenetic location: 17q11.2.
Variant type: Deletion.
Coding change: c.109del on transcript NM_001042492.3 (MANE Select); coding-DNA position 109, one base deleted (G; older notation c.109delG).
Protein change: p.Glu37fs; shifts the reading frame from glutamic acid 37.
Molecular consequence: frameshift variant.
Genome position (GRCh38, 1-based): chr17:31,156,031, G deleted. VCF-style (leftmost placement, unchanged base first): chr17-31156030-TG-T. GRCh37 (hg19) VCF-style: chr17-29483048-TG-T.
Other names: c.109delG, p.Glu37Serfs (NM_000267.4); c.109del, p.Glu37fs (NM_001128147.3); short protein forms E37fs.
Identifiers: ClinVar variation 2118180 (VCV002118180.4), dbSNP rs2544681110, ClinGen allele CA2580092795.

ClinVar aggregate classification (germline): Pathogenic (1 of 4 stars; one submission).

Conditions:
Neurofibromatosis, type 1 (NF1). Also called: NEUROFIBROMATOSIS, TYPE I, SOMATIC; Neurofibromatosis, type I; Peripheral type neurofibromatosis; VON RECKLINGHAUSEN DISEASE. Identifiers: Orphanet 636, MedGen C0027831, MONDO:0018975, OMIM 162200. Disease mechanism: loss of function.

Submission:

Labcorp Genetics (formerly Invitae), Labcorp
Classification: Pathogenic for Neurofibromatosis, type 1. Last evaluated: 2022-03-27. Review status: criteria provided, single submitter. Criteria: Invitae Variant Classification Sherloc (09022015). Collection method: clinical testing. Allele origin: germline.
Comment: For these reasons, this variant has been classified as Pathogenic. This variant has not been reported in the literature in individuals affected with NF1-related conditions. This variant is not present in population databases (gnomAD no frequency). This sequence change creates a premature translational stop signal (p.Glu37Serfs*7) in the NF1 gene. It is expected to result in an absent or disrupted protein product. Loss-of-function variants in NF1 are known to be pathogenic (PMID: 10712197, 23913538).

Literature cited by the submitters: PubMed 10712197; PubMed 23913538.